The following is an entry in ClinVar:

ClinVar aggregate classification (germline): Uncertain significance (1 of 4 stars; one submission).

Allele frequency attached by ClinVar (database versions not stated): ExAC 0.00001; TOPMed 0.00002.
gnomAD v4.1: 20 of 1,614,002 alleles (0.0012%); highest among the groups gnomAD compares: Non-Finnish European, 0.0014%; no homozygotes.

Submission:

Labcorp Genetics (formerly Invitae), Labcorp
Classification: Uncertain significance. Last evaluated: 2025-09-27. Review status: criteria provided, single submitter. Criteria: Invitae Variant Classification Sherloc (09022015). Collection method: clinical testing. Allele origin: germline.
Comment: This sequence change replaces tyrosine, which is neutral and polar, with cysteine, which is neutral and slightly polar, at codon 182 of the SNIP1 protein (p.Tyr182Cys). This variant is present in population databases (rs779443322, gnomAD 0.002%). This variant has not been reported in the literature in individuals affected with SNIP1-related conditions. ClinVar contains an entry for this variant (Variation ID: 1441696). Invitae Evidence Modeling of protein sequence and biophysical properties (such as structural, functional, and spatial information, amino acid conservation, physicochemical variation, residue mobility, and thermodynamic stability) indicates that this missense variant is not expected to disrupt SNIP1 protein function with a negative predictive value of 80%. In summary, the available evidence is currently insufficient to determine the role of this variant in disease. Therefore, it has been classified as a Variant of Uncertain Significance.

NM_024700.4(SNIP1):c.545A>G (p.Tyr182Cys)

Genes: SNIP1 (Smad nuclear interacting protein 1; minus strand), LOC126805704 (BRD4-independent group 4 enhancer GRCh37_chr1:38005292-38006491; plus strand). Cytogenetic location: 1p34.3.
Variant type: single nucleotide variant.
Coding change: c.545A>G on transcript NM_024700.4 (MANE Select); coding-DNA position 545, A replaced by G.
Protein change: p.Tyr182Cys; replaces tyrosine 182 with cysteine.
Molecular consequence: missense variant.
Genome position (GRCh38, 1-based): chr1:37,540,538, T>C on the plus strand (A>G on the coding strand, the complement: SNIP1 is on the minus strand). VCF-style: chr1-37540538-T-C. GRCh37 (hg19) VCF-style: chr1-38006139-T-C.
Other names: short protein forms Y182C.
Identifiers: ClinVar variation 1441696 (VCV001441696.8), dbSNP rs779443322, ClinGen allele CA771309.